The following is an entry in ClinVar:

ClinVar aggregate classification (germline): Uncertain significance. Review status: criteria provided, multiple submitters, no conflicts (2 of 4 stars). 3 submissions from 3 submitters: Uncertain significance (3). Last evaluated 2026-07-30.

Conditions:
Juvenile polyposis syndrome (JPS). Identifiers: Orphanet 2929, MedGen C0345893, MONDO:0017380, OMIM 174900.
Hereditary cancer-predisposing syndrome. Also called: Hereditary Cancer Syndrome; Hereditary neoplastic syndrome; Neoplastic Syndromes, Hereditary; Tumor predisposition. Identifiers: Orphanet 140162, MedGen C0027672, MeSH D009386, MONDO:0015356.
Familial thoracic aortic aneurysm and aortic dissection (TAAD). Also called: Thoracic aortic aneurysms and dissections. Identifiers: Orphanet 91387, MedGen C4707243, MONDO:0019625.

Allele frequency attached by ClinVar (database versions not stated): gnomAD exomes below 0.00001.

Submissions (3):

Ambry Genetics
Classification: Uncertain significance for Hereditary cancer-predisposing syndrome; Familial thoracic aortic aneurysm and aortic dissection. Last evaluated: 2026-07-30. Review status: criteria provided, single submitter. Criteria: Ambry Variant Classification Scheme 2023. Collection method: clinical testing. Allele origin: germline.
Comment: The p.R87Q variant (also known as c.260G>A), located in coding exon 2 of the SMAD4 gene, results from a G to A substitution at nucleotide position 260. The arginine at codon 87 is replaced by glutamine, an amino acid with highly similar properties. This amino acid position is highly conserved in available vertebrate species. In addition, this alteration is predicted to be deleterious by in silico analysis. Based on the available evidence, the clinical significance of this variant remains unclear.

GeneDx
Classification: Uncertain significance. Last evaluated: 2026-02-08. Review status: criteria provided, single submitter. Criteria: GeneDx Variant Classification Process June 2021. Collection method: clinical testing. Allele origin: germline.
Comment: Not observed at significant frequency in large population cohorts (gnomAD); In silico analysis supports that this missense variant has a deleterious effect on protein structure/function; Has not been previously published as pathogenic or benign to our knowledge; This variant is associated with the following publications: (PMID: 15235019, 18823382, 22992590)

Labcorp Genetics (formerly Invitae), Labcorp
Classification: Uncertain significance for Juvenile polyposis syndrome. Last evaluated: 2023-03-07. Review status: criteria provided, single submitter. Criteria: Invitae Variant Classification Sherloc (09022015). Collection method: clinical testing. Allele origin: germline.
Comment: This sequence change replaces arginine, which is basic and polar, with glutamine, which is neutral and polar, at codon 87 of the SMAD4 protein (p.Arg87Gln). This variant is present in population databases (no rsID available, gnomAD 0.007%). This variant has not been reported in the literature in individuals affected with SMAD4-related conditions. Advanced modeling of protein sequence and biophysical properties (such as structural, functional, and spatial information, amino acid conservation, physicochemical variation, residue mobility, and thermodynamic stability) has been performed at Invitae for this missense variant, however the output from this modeling did not meet the statistical confidence thresholds required to predict the impact of this variant on SMAD4 protein function. In summary, the available evidence is currently insufficient to determine the role of this variant in disease. Therefore, it has been classified as a Variant of Uncertain Significance.

NM_005359.6(SMAD4):c.260G>A (p.Arg87Gln)

Gene: SMAD4 (SMAD family member 4; plus strand). Cytogenetic location: 18q21.2.
Variant type: single nucleotide variant.
Coding change: c.260G>A on transcript NM_005359.6 (MANE Select); coding-DNA position 260, G replaced by A.
Protein change: p.Arg87Gln; replaces arginine 87 with glutamine.
Molecular consequence: missense variant. On other transcripts: non-coding transcript variant (2).
Genome position (GRCh38, 1-based): chr18:51,048,696, G>A. VCF-style: chr18-51048696-G-A. GRCh37 (hg19) VCF-style: chr18-48575066-G-A.
Other names: c.260G>A, p.Arg87Gln (NM_001407041.1, NM_001407042.1, NM_001407043.1); short protein forms R87Q.
Identifiers: ClinVar variation 2965602 (VCV002965602.6), dbSNP rs1060500735, ClinGen allele CA402458185.
Genomic context (GRCh38, chr18:51,048,696, plus strand): 5'-AGTGTCTTGCATAATGTGACACATGAATAAATGGTCGTTTATTTTTCTAGGTGGCTGGTC[G>A]GAAAGGATTTCCTCATGTGATCTATGCCCGTCTCTGGAGGTGGCCTGATCTTCACAAAAA-3'
Protein context (NP_005350.1, residues 77-97): TLDGRLQVAG[Arg87Gln]KGFPHVIYAR